The following is an entry in ClinVar:

NM_001278669.2(NFATC1):c.153C>A (p.Asn51Lys)

Gene: NFATC1 (nuclear factor of activated T cells 1; plus strand). Cytogenetic location: 18q23.
Variant type: single nucleotide variant.
Coding change: c.153C>A on transcript NM_001278669.2 (MANE Select); coding-DNA position 153, C replaced by A.
Protein change: p.Asn51Lys; replaces asparagine 51 with lysine.
Molecular consequence: missense variant. On other transcripts: intron variant (2).
Genome position (GRCh38, 1-based): chr18:79,410,428, C>A. VCF-style: chr18-79410428-C-A. GRCh37 (hg19) VCF-style: chr18-77170428-C-A.
Other names: c.153C>A, p.Asn51Lys (NM_001278670.2, NM_006162.5, NM_172390.3); c.114C>A, p.Asn38Lys (NM_001278672.2, NM_001278675.2, NM_172387.3 and 1 more transcripts); c.-191+14077C>A (NM_172388.3); c.-191+9949C>A (NM_001278673.2); short protein forms N38K, N51K.
Identifiers: ClinVar variation 2868268 (VCV002868268.3), dbSNP rs150374931, ClinGen allele CA402825799.

ClinVar aggregate classification (germline): Uncertain significance (1 of 4 stars; one submission).

gnomAD v4.1: 1 of 1,611,132 alleles (0.000062%); highest among the groups gnomAD compares: Non-Finnish European, 0.000085%; no homozygotes.

Submission:

Labcorp Genetics (formerly Invitae), Labcorp
Classification: Uncertain significance. Last evaluated: 2023-03-04. Review status: criteria provided, single submitter. Criteria: Invitae Variant Classification Sherloc (09022015). Collection method: clinical testing. Allele origin: germline.
Comment: In summary, the available evidence is currently insufficient to determine the role of this variant in disease. Therefore, it has been classified as a Variant of Uncertain Significance. An algorithm developed to predict the effect of missense changes on protein structure and function (PolyPhen-2) suggests that this variant is likely to be tolerated. This variant has not been reported in the literature in individuals affected with NFATC1-related conditions. This variant is not present in population databases (gnomAD no frequency). This sequence change replaces asparagine, which is neutral and polar, with lysine, which is basic and polar, at codon 51 of the NFATC1 protein (p.Asn51Lys).